The following is an entry in ClinVar:

ClinVar aggregate classification (germline): Pathogenic (1 of 4 stars; one submission).

Submission:

Quest Diagnostics Nichols Institute San Juan Capistrano
Classification: Pathogenic. Last evaluated: 2025-06-03. Review status: criteria provided, single submitter. Criteria: ACMG/ClinGen CNV Guidelines, 2019. Collection method: clinical testing. Allele origin: unknown.
Comment: This deletion involves at least nine protein-coding genes, including the majority of NOTCH1 gene (OMIM 190198). Heterozygous missense and loss-of-function variants of NOTCH1 are associated with a spectrum of developmental aortic valve anomalies and severe valve calcification in nonsyndromic human pedigrees, including autosomal dominant aortic valve disease-1 (AOVD1; OMIM 109730; Kerstjens-Frederikse 2016, Roifman 2021, Sun 2020). Right-sided congenital heart disease or conotruncal heart disease, as well as thoracic aortic aneurysms, have also been reported (Kerstjens-Frederikse 2016, Torres-Juan 2023), with incomplete penetrance and variable expressivity noted (Debiec 2022). Additionally, haploinsufficiency of NOTCH1 is associated with autosomal dominant Adams-Oliver syndrome-5 (OMIM 616028; HGNC:7881; Southgate 2015, Stittrich 2014). While there are multiple similar copy number losses of this region in the general populations of the Database of Genomic Variants, these are likely explained by the reduced penetrance associated with NOTCH1 phenotypes or a lack of in-depth cardiac assessment within these studies. Therefore, this copy number variant (CNV) is classified as pathogenic, with reduced penetrance and variable expressivity. References: Debiec et al., Heart. 2022 Jun 24;108(14):1114-1120. PMID: 35288444 Kerstjens-Frederikse et al., Genet Med. 2016 Sep;18(9):914-23. PMID: 26820064 Roifman et al., Clin Genet. 2021 Jun;99(6):836-841. PMID: 33630301 Southgate et al., Circ Cardiovasc Genet. 2015 Aug;8(4):572-581. PMID: 25963545 Stittrich et al., Am J Hum Genet. 2014 Sep 4;95(3):275-84. PMID: 25132448 Sun et al., Ultrasound Obstet Gynecol. 2020 Aug;56(2):225-232. PMID: 31633846 Torres-Juan et al., Int J Mol Sci. 2023 May 12;24(10):8644. PMID: 37239988

GRCh37/hg19 9q34.3(chr9:139252991-139435356)x1

Genes: C9orf163 (chromosome 9 putative open reading frame 163; plus strand), CARD9 (caspase recruitment domain family member 9; minus strand), DNLZ (DNL-type zinc finger; minus strand), ENTR1 (endosome associated trafficking regulator 1; minus strand), GPSM1 (G protein signaling modulator 1; plus strand) and 5 more. Cytogenetic location: 9q34.3.
Variant type: copy number loss.
Change: copy number 1 (one copy instead of two) of chr9:139,252,991-139,435,356 (182.4 kb, GRCh37 coordinates, 1-based), cytogenetic band 9q34.3.
Identifiers: ClinVar variation 4682742 (VCV004682742.1).